The following is an entry in ClinVar:

ClinVar aggregate classification (germline): Pathogenic/Likely pathogenic. Review status: criteria provided, multiple submitters, no conflicts (2 of 4 stars). 14 submissions from 14 submitters: Pathogenic (11); Likely pathogenic (1). 2 of the submissions do not count toward it. Last evaluated 2026-09-10.

Conditions:
Early-infantile DEE. Also called: Ohtahara syndrome; Early infantile epileptic encephalopathy; Early infantile epileptic encephalopathy with suppression bursts. Identifiers: Orphanet 1934, MedGen C0393706, MONDO:0800491.
KCNQ2-Related Disorders. Also called: KCNQ2-related condition; KCNQ2-related disorder. Identifiers: MedGen CN169299.
Seizures, benign familial neonatal, 1. Also called: Benign Neonatal Epilepsy 1; KCNQ2-Related Benign Familial Neonatal Epilepsy; KCNQ2-Related Self-Limited Familial Neonatal Epilepsy (SLFNE); Seizures, benign neonatal, 1. Identifiers: Orphanet 1949, MedGen C3149074, MONDO:0007365, OMIM 121200.
Developmental and epileptic encephalopathy, 7 (DEE7). Also called: KCNQ2-Related Neonatal Epileptic Encephalopathy; Early infantile epileptic encephalopathy 7; KCNQ2-Related Neonatal-Onset Developmental and Epileptic Encephalopathy (NEO-DEE). Identifiers: Orphanet 439218, MedGen C3150986, MONDO:0013387, OMIM 613720.
Benign Rolandic epilepsy (BECTS). Also called: BENIGN EPILEPSY OF CHILDHOOD WITH CENTROTEMPORAL SPIKES; CENTROTEMPORAL EPILEPSY; CENTRALOPATHIC EPILEPSY; Benign rolandic epilepsy (BRE); Benign rolandic epilepsy of childhood (BREC); Benign epilepsy with centro-temporal spikes (BECTS). Identifiers: Orphanet 1945, MedGen C2363129, OMIM 117100.
Seizure. Also called: Seizures. Identifiers: MedGen C0036572, HP:0001250.

Submissions 1 to 12 of 20:

PreventionGenetics, part of Exact Sciences
Classification: Pathogenic for KCNQ2-related condition. Last evaluated: 2026-09-10. Review status: criteria provided, single submitter. Criteria: ACMG Guidelines, 2015. Collection method: clinical testing. Allele origin: germline.
Comment: The KCNQ2 c.913_915delTTC variant is predicted to result in an in-frame deletion (p.Phe305del). This variant was reported in multiple individuals with KCNQ2-related conditions including benign familial neonatal epilepsy (Ishii et al 2009. PubMed ID: 18640800; reported as p.Phe304del), early infantile epileptic encephalopathy (Hengel et al. 2020. PubMed ID: 32214227; Table S1, Bayat et al. 2022. PubMed ID: 35723786; Millichap et al. 2016. PubMed ID: 27602407; Table S1, Vanoye et al. 2022. PubMed ID: 35104249), and intellectual disability and developmental delay (Supplementary data, Bowling et al. 2017. PubMed ID: 28554332). This variant has interpretations of likely pathogenic and pathogenic in ClinVar (Variation ID: 211236). This variant has not been reported in a large population database, indicating this variant is rare. This variant is interpreted as pathogenic.

Women's Health and Genetics/Laboratory Corporation of America, LabCorp
Classification: Pathogenic for KCNQ2-Related Disorders. Last evaluated: 2024-12-26. Review status: criteria provided, single submitter. Criteria: LabCorp Variant Classification Summary - May 2015. Collection method: clinical testing. Allele origin: germline.
Comment: Variant summary: KCNQ2 c.913_915delTTC (p.Phe305del) results in an in-frame deletion that is predicted to remove one amino acid from the encoded protein. The variant was absent in 250852 control chromosomes. c.913_915delTTC has been reported as de novo variant in the literature in individuals affected with KCNQ2-Related Disorders. These data indicate that the variant may be associated with disease. At least one publication reports experimental evidence evaluating an impact on protein function. The most pronounced variant effect results in <10% of normal activity. The following publications have been ascertained in the context of this evaluation (PMID: 35723786, 18640800). ClinVar contains an entry for this variant (Variation ID: 211236). Based on the evidence outlined above, the variant was classified as pathogenic.

Labcorp Genetics (formerly Invitae), Labcorp
Classification: Pathogenic for Early-infantile DEE. Last evaluated: 2023-07-03. Review status: criteria provided, single submitter. Criteria: Invitae Variant Classification Sherloc (09022015). Collection method: clinical testing. Allele origin: germline.
Comment: Algorithms developed to predict the effect of variants on protein structure and function are not available or were not evaluated for this variant. Experimental studies have shown that this variant affects KCNQ2 function (PMID: 18640800). This variant disrupts the p.Phe305 amino acid residue in KCNQ2. Other variant(s) that disrupt this residue have been determined to be pathogenic (PMID: 25473036; Invitae). This suggests that this residue is clinically significant, and that variants that disrupt this residue are likely to be disease-causing. For these reasons, this variant has been classified as Pathogenic. ClinVar contains an entry for this variant (Variation ID: 211236). This variant, c.913_915del, results in the deletion of 1 amino acid(s) of the KCNQ2 protein (p.Phe305del), but otherwise preserves the integrity of the reading frame. This variant is not present in population databases (gnomAD no frequency). This variant has been observed in individual(s) with KCNQ2-related conditions (PMID: 18640800, 27602407, 28728838). In at least one individual the variant was observed to be de novo. This variant is also known as c.910-2delTTC.

GeneDx
Classification: Pathogenic. Last evaluated: 2022-08-05. Review status: criteria provided, single submitter. Criteria: GeneDx Variant Classification Process June 2021. Collection method: clinical testing. Allele origin: germline. Affected: yes.
Comment: Published functional studies demonstrate a damaging effect and significant impairment of potassium channel function (Ishii et al., 2009); Not observed at significant frequency in large population cohorts (gnomAD); In-frame deletion of 1 amino acids in a non-repeat region; Lost residue is predicted to be within the transmembrane segment S6; This variant is associated with the following publications: (PMID: 20437616, 18640800, 27602407, 28554332, 28728838, 32214227, 35401395)

Dasa
Classification: Pathogenic for KCNQ2-Related Disorders. Last evaluated: 2022-02-14. Review status: criteria provided, single submitter. Criteria: ACMG Guidelines, 2015. Collection method: clinical testing. Allele origin: germline. Affected: yes. Observed: 1 variant allele.
Comment: Well-established in vitro or in vivo functional studies supportive of a damaging effect on the gene or gene product (PMID: 18640800) - PS3_moderate. This sequence change has been observed in affected individual(s) and ClinVar contains an entry for this variant (Clinvar ID:211236; PMID: 22884718; 32214227; 28728838; 27602407) - PS4. This variant is not present in population databases (rs118192212, gnomAD; ABraOM no frequency) - PM2. Protein length variants as a result of in-frame deletions/insertions in a nonrepeat region or stop-loss variants - PM4. The variant was assumed de novo, but without confirmation of paternity and maternity (PMID: 32214227; 28728838) - PM6. In summary, the currently available evidence indicates that the variant is pathogenic.

Pediatrics, West China Second University Hospital, Sichuan University
Classification: Likely pathogenic for Developmental and epileptic encephalopathy, 7. Last evaluated: 2021-11-16. Review status: criteria provided, single submitter. Criteria: ACMG Guidelines, 2015. Collection method: clinical testing. Allele origin: de novo. Affected: yes.

Mendelics
Classification: Pathogenic for Seizures, benign familial neonatal, 1. Last evaluated: 2021-11-10. Review status: criteria provided, single submitter. Criteria: Mendelics Assertion Criteria 2017. Collection method: clinical testing. Allele origin: unknown.

Blueprint Genetics
Classification: Pathogenic for KCNQ2-related disorders. Last evaluated: 2021-10-27. Review status: criteria provided, single submitter. Criteria: ACMG Guidelines, 2015. Collection method: clinical testing. Allele origin: germline. Affected: yes. Observed: 2 variant alleles.

ARUP Laboratories, Molecular Genetics and Genomics, ARUP Laboratories
Classification: Pathogenic. Last evaluated: 2018-12-15. Review status: criteria provided, single submitter. Criteria: ARUP Molecular Germline Variant Investigation Process. Collection method: clinical testing. Allele origin: germline.
Comment: De novo occurrence of the p.Phe305del variant has been reported in several individuals (Ishii 2009, Millichap 2016, Sterbova 2017, Bowling 2017, Spagnoli 2018) including identical twins (Millichap 2016). This variant is absent from general population databases including gnomAD but is listed in ClinVar with pathogenic classification (ClinVar ID 211236). The p.Phe305del variant is located in the Kv7.2 channel transmembrane segment 6, in the ion transport domain (IPR005821). Ishii et al. (2009) showed that this variant (reported as Phe304del) leads to null function with no current observed in the mutant KCNQ2 potassium channel. Based on the available evidence, this de novo p.Phe305del KCNQ2 gene variant was classified as pathogenic.

CeGaT Center for Human Genetics Tuebingen
Classification: Pathogenic. Last evaluated: 2016-09-01. Review status: criteria provided, single submitter. Criteria: CeGaT Center For Human Genetics Tuebingen Variant Classification Criteria Version 2. Collection method: clinical testing. Allele origin: germline. Affected: yes. Observed: 1 variant allele.

HudsonAlpha Institute for Biotechnology
Classification: Pathogenic for Developmental and epileptic encephalopathy, 7. Last evaluated: 2016-06-09. Review status: criteria provided, single submitter. Criteria: HA_assertions_20161101. Collection method: research. Allele origin: de novo. Affected: yes. Observed: 1 variant allele. Study: CSER-HudsonAlpha.

Genetic Services Laboratory, University of Chicago
Classification: Pathogenic for Seizures. Last evaluated: 2015-06-26. Review status: criteria provided, single submitter. Criteria: ACMG Guidelines, 2015. Collection method: clinical testing. Allele origin: germline. Affected: yes.

NM_172107.4(KCNQ2):c.910TTC[1] (p.Phe305del)

Gene: KCNQ2 (potassium voltage-gated channel subfamily Q member 2; minus strand). Cytogenetic location: 20q13.33.
Variant type: Microsatellite.
Coding change: c.910TTC[1] on transcript NM_172107.4 (MANE Select); one copy of the 3-base unit TTC starting at c.910; the reference has two copies in a row; one copy, 3 bases deleted; also written c.913_915del.
Protein change: p.Phe305del; deletes phenylalanine 305.
Molecular consequence: inframe deletion.
Genome position (GRCh38, 1-based): chr20:63,439,610-63,439,612, GAA deleted on the plus strand (TTC on the coding strand, the reverse complement: KCNQ2 is on the minus strand); deleting any 3 consecutive bases within chr20:63,439,610-63,439,616 gives the same sequence; the position shown is the placement nearest the transcript's 3' end. VCF-style (leftmost placement, unchanged base first): chr20-63439609-CGAA-C. GRCh37 (hg19) VCF-style: chr20-62070962-CGAA-C.
Other names: F304delF; c.910TTC[1], p.Phe305del (NM_001382235.1, NM_004518.6, NM_172106.3 and 2 more transcripts); c.913_915del (NM_172107.4); c.913_915delTTC (NM_172107.2, NM_172107.4, NM_172107.3); short protein forms F305del.
Identifiers: ClinVar variation 211236 (VCV000211236.77), dbSNP rs118192212, ClinGen allele CA208154.